The following is an entry in ClinVar:

ClinVar aggregate classification (germline): Uncertain significance (1 of 4 stars; one submission).

Conditions:
Hajdu-Cheney syndrome (HJCYS). Also called: Acroosteolysis dominant type; ACROOSTEOLYSIS WITH OSTEOPOROSIS AND CHANGES IN SKULL AND MANDIBLE; SERPENTINE FIBULA-POLYCYSTIC KIDNEY SYNDROME. Identifiers: Orphanet 955, MedGen C0917715, MONDO:0007057, OMIM 102500.

Allele frequency attached by ClinVar (database versions not stated): gnomAD exomes below 0.00001; ExAC 0.00001.
gnomAD v4.1: 2 of 1,614,220 alleles (0.00012%); highest among the groups gnomAD compares: Non-Finnish European, 0.00017%; no homozygotes.

Submission:

Labcorp Genetics (formerly Invitae), Labcorp
Classification: Uncertain significance for Hajdu-Cheney syndrome. Last evaluated: 2022-12-31. Review status: criteria provided, single submitter. Criteria: Invitae Variant Classification Sherloc (09022015). Collection method: clinical testing. Allele origin: germline.
Comment: In summary, the available evidence is currently insufficient to determine the role of this variant in disease. Therefore, it has been classified as a Variant of Uncertain Significance. Advanced modeling of protein sequence and biophysical properties (such as structural, functional, and spatial information, amino acid conservation, physicochemical variation, residue mobility, and thermodynamic stability) performed at Invitae indicates that this missense variant is not expected to disrupt NOTCH2 protein function. This variant has not been reported in the literature in individuals affected with NOTCH2-related conditions. This variant is present in population databases (rs781288790, gnomAD 0.0009%). This sequence change replaces histidine, which is basic and polar, with tyrosine, which is neutral and polar, at codon 2158 of the NOTCH2 protein (p.His2158Tyr).

NM_024408.4(NOTCH2):c.6472C>T (p.His2158Tyr)

Gene: NOTCH2 (notch receptor 2; minus strand). Cytogenetic location: 1p12.
Variant type: single nucleotide variant.
Coding change: c.6472C>T on transcript NM_024408.4 (MANE Select); coding-DNA position 6472, C replaced by T.
Protein change: p.His2158Tyr; replaces histidine 2158 with tyrosine.
Molecular consequence: missense variant.
Genome position (GRCh38, 1-based): chr1:119,916,250, G>A on the plus strand (C>T on the coding strand, the complement: NOTCH2 is on the minus strand). VCF-style: chr1-119916250-G-A. GRCh37 (hg19) VCF-style: chr1-120458873-G-A.
Other names: short protein forms H2158Y.
Identifiers: ClinVar variation 2791872 (VCV002791872.3), dbSNP rs781288790, ClinGen allele CA1039425.